The following continues an entry in ClinVar:

NM_007294.4(BRCA1):c.5266dup (p.Gln1756fs)

Gene: BRCA1. ClinVar aggregate classification (germline): Pathogenic. Pathogenic (1).

Submissions 37 to 48 of 101:

Victorian Clinical Genetics Services, Murdoch Childrens Research Institute
Classification: Pathogenic for Breast-ovarian cancer, familial, susceptibility to, 1. Last evaluated: 2023-07-17. Review status: criteria provided, single submitter. Criteria: ACMG Guidelines, 2015. Collection method: clinical testing. Allele origin: germline. Inheritance: Autosomal dominant inheritance. Not counted in ClinVar's aggregate classification.
Comment: Based on the classification scheme VCGS_Germline_v1.3.4, this variant is classified as Pathogenic. Following criteria are met: 0102 - Loss of function is a known mechanism of disease in this gene and is associated with Fanconi anaemia, complementation group S (MIM#617883), susceptibility to breast and ovarian cancer (MIM#604370) and susceptibility to pancreatic cancer (MIM#614320). (I) 0108 - This gene is associated with both recessive and dominant disease. Susceptibility to breast and ovarian cancer follows an autosomal dominant inheritance pattern, while Fanconi anaemia is inherited in an autosomal recessive pattern (OMIM). (I) 0112 - The condition associated with this gene has incomplete penetrance. The highest estimate for cancer risk in carriers of pathogenic variants is 80% by the age of 70 years (PMID: 30551077). (I) 0205 - Variant is predicted to result in a truncated protein (premature termination codon is NOT located at least 54 nucleotides upstream of the final exon-exon junction) with less than 1/3 of the protein sequence affected. (SP) 0251 - This variant is heterozygous. (I) 0304 - Variant is present in gnomAD <0.01 (v2 & v3: 53 heterozygotes, 0 homozygotes). (SP) 0701 - Other variants located downstream and predicted to result in a truncated protein comparable to the one identified in this case have very strong previous evidence for pathogenicity (DECIPHER). (SP) 0801 - This variant has very strong previous evidence of pathogenicity in unrelated individuals. It is regarded as pathogenic by multiple diagnostic laboratories including expert panel ENIGMA and associated with susceptibility to breast cancer (ClinVar). In addition, it is a founder mutation in Ashkenazi Jewish (GeneReviews). (SP) 1208 - Inheritance information for this variant is not currently available in this individual. (I) Legend: (SP) - Supporting pathogenic, (I) - Information, (SB) - Supporting benign

Quest Diagnostics Nichols Institute San Juan Capistrano
Classification: Pathogenic. Last evaluated: 2023-06-04. Review status: criteria provided, single submitter. Criteria: Quest Diagnostics criteria. Collection method: clinical testing. Allele origin: unknown. Not counted in ClinVar's aggregate classification.
Comment: The BRCA1 c.5266dup (p.Gln1756Profs*74) variant alters the translational reading frame of the BRCA1 mRNA and causes the premature termination of BRCA1 protein synthesis. This variant has been reported in the published literature as a founder mutation in the Ashkenazi Jewish population and has been reported in multiple individuals and families affected with breast and/or ovarian cancer (PMIDs: 18694767 (2008), 19208665 (2009), 21119707 (2011), 30606148 (2019), 32438681 (2020), 35409996 (2022)), as well as prostate cancer (PMID: 36612302 (2023)). This variant has also been reported in affected and control individuals in a large-scale breast cancer association study (PMID: 33471991 (2021), see also LOVD). A functional study showed that this variant caused the complete loss of BRCA1 phosphopeptide binding activity (PMID: 15133502 (2004)). Based on the available information, this variant is classified as pathogenic.

Illumina Laboratory Services, Illumina
Classification: Pathogenic for Breast-ovarian cancer, familial, susceptibility to, 1. Last evaluated: 2023-05-18. Review status: criteria provided, single submitter. Criteria: ICSLVariantClassificationCriteria RUGD 01 April 2020. Collection method: clinical testing. Allele origin: unknown. Not counted in ClinVar's aggregate classification.
Comment: The BRCA1 c.5266dup (p.Gln1756ProfsTer74) variant, also referred to as c.5382insC or c.5382_5383insC, causes a shift in the translational reading frame that is predicted to result in premature termination of the protein. Loss of normal protein function through either protein truncation or nonsense-mediated mRNA decay is expected. This variant has been previously identified in individuals with breast cancer, ovarian cancer, pancreatic cancer, and prostate cancer (PMID: 29335925; PMID: 29961768; PMID: 11802209; PMID: 29492181; PMID: 22430266). Further, this variant is one of three well-characterized founder variants in the Ashkenazi Jewish population, accounting for an estimated 26% of pathogenic variants detected in this population (GeneReviews PMID: 20301425). The highest frequency of this allele in the Genome Aggregation Database is 0.002314 in the Ashkenazi Jewish population (v2.1.1). This variant has been classified as pathogenic by >60 submitters in ClinVar, including a BRCA1 expert panel. Based on the available evidence, the c.5266dup (p.Gln1756ProfsTer74) variant is classified as pathogenic for hereditary breast and ovarian cancer.

CHEO Genetics Diagnostic Laboratory, Children's Hospital of Eastern Ontario
Classification: Pathogenic for Breast and/or ovarian cancer. Last evaluated: 2023-03-24. Review status: criteria provided, single submitter. Criteria: ACMG Guidelines, 2015. Collection method: clinical testing. Allele origin: germline. Study: Canadian Open Genetics Repository. Not counted in ClinVar's aggregate classification.

Laboratorio de Genetica e Diagnostico Molecular, Hospital Israelita Albert Einstein
Classification: Pathogenic for Breast-ovarian cancer, familial, susceptibility to, 1. Last evaluated: 2022-12-13. Review status: criteria provided, single submitter. Criteria: ACMG Guidelines, 2015. Collection method: clinical testing. Allele origin: germline. Affected: yes. Not counted in ClinVar's aggregate classification.
Comment: ACMG classification criteria: PVS1 very strong, PS3 supporting, PS4 strong, PP1 strong

Centre for Mendelian Genomics, University Medical Centre Ljubljana
Classification: Pathogenic for Breast-ovarian cancer, familial, susceptibility to, 1. Last evaluated: 2022-12-09. Review status: criteria provided, single submitter. Criteria: ACMG Guidelines, 2015. Collection method: research. Allele origin: germline. Affected: no. Not counted in ClinVar's aggregate classification.
Comment: PVS1, PS4_STR, BS1

Laboratory for Molecular Medicine, Mass General Brigham Personalized Medicine
Classification: Pathogenic for Hereditary breast ovarian cancer syndrome. Last evaluated: 2022-11-23. Review status: criteria provided, single submitter. Criteria: ACMG Guidelines, 2015. Collection method: clinical testing. Allele origin: germline. Inheritance: Autosomal dominant inheritance. Not counted in ClinVar's aggregate classification.
Comment: The p.Gln1756ProfsX74 variant in BRCA1 (also referred to as p.Gln1777fs) is a founder variant in the Ashkenazi Jewish population and has been reported in >1000 individuals with BRCA1-associated cancers (Abeliovich 1997 PMID: 9042909, Elwad 2011 PMID: 22185575, Breast Cancer Information Core (BIC) database). This variant has also been identified in 0.2% (24/103702) Ashkenazi Jewish and 0.02% (25/129200) of European chromosomes by gnomAD. This variant is predicted to cause a frameshift, which alters the protein’s amino acid sequence beginning at position 1756 and leads to a premature termination codon 74 amino acids downstream. This alteration is then predicted to lead to a truncated or absent protein. Heterozygous loss of function of the BRCA1 gene is an established disease mechanism in hereditary breast and ovarian cancer (HBOC). Furthermore, the p.Gln1756ProfsX74 variant was classified as Pathogenic on April 22, 2016 by the ClinGen-approved ENIGMA expert panel (ClinVar ID 17677). In summary, this variant meets criteria to be classified as pathogenic for autosomal dominant HBOC. ACMG/AMP Criteria applied: PS4, PVS1.

MGZ Medical Genetics Center
Classification: Pathogenic for Breast-ovarian cancer, familial, susceptibility to, 1. Last evaluated: 2022-09-06. Review status: criteria provided, single submitter. Criteria: ACMG Guidelines, 2015. Collection method: clinical testing. Allele origin: germline. Affected: yes. Observed: 18 variant alleles. Not counted in ClinVar's aggregate classification.
Comment: ACMG criteria applied: PVS1, PS4, PP1_MOD

Human Genetics Bochum, Ruhr University Bochum
Classification: Pathogenic for Breast-ovarian cancer, familial, susceptibility to, 1. Last evaluated: 2022-08-04. Review status: criteria provided, single submitter. Criteria: ACMG Guidelines, 2015. Collection method: clinical testing. Allele origin: germline. Affected: yes. Not counted in ClinVar's aggregate classification.
Comment: ACMG criteria used to clasify this variant: PVS1, PM2, PS4

Mayo Clinic Laboratories, Mayo Clinic
Classification: Pathogenic. Last evaluated: 2022-07-07. Review status: criteria provided, single submitter. Criteria: ACMG Guidelines, 2015. Collection method: clinical testing. Allele origin: germline. Observed: 17 variant alleles. Not counted in ClinVar's aggregate classification.
Comment: PP5, PS4_moderate, PVS1

Dasa
Classification: Pathogenic for Breast-ovarian cancer, familial, susceptibility to, 1. Last evaluated: 2022-03-05. Review status: criteria provided, single submitter. Criteria: ACMG Guidelines, 2015. Collection method: clinical testing. Allele origin: germline. Affected: yes. Observed: 3 variant alleles. Not counted in ClinVar's aggregate classification.
Comment: The c.5266dup;p.(Gln1756Profs*74) is a null frameshift variant (NMD) in the BRCA1 gene and predicts alteration of the nonsense-mediate decay - NMD is present in a relevant exon to the transcript - PVS1_strong. This sequence change has been observed in affected individual(s) and ClinVar contains an entry for this variant (ClinVar ID: 17677; PMID: 15994883; PMID: 22430266) - PS4. The variant is present at low allele frequencies population databases (rs80357906 – gnomAD 0.001803%; ABraOM no frequency) - PM2_supporting. In summary, the currently available evidence indicates that the variant is pathogenic.

New York Genome Center
Classification: Pathogenic for Breast-ovarian cancer, familial, susceptibility to, 1. Last evaluated: 2022-01-28. Review status: criteria provided, single submitter. Criteria: NYGC Assertion Criteria 2020. Collection method: clinical testing. Allele origin: germline. Observed: 1 heterozygote. Not counted in ClinVar's aggregate classification.
Comment: The c.5266dup (p.Gln1756ProfsTer74) variant identified in the BRCA1 gene is the duplication of a single nucleotide resulting in a frameshift at amino acid 1756/1863 (exon 19/23). This variant is predicted to incorporate a premature termination codon at approximately 74 amino acids downstream and result in either loss-of-function via nonsense mediated decay or protein truncation. This variant is found with low frequency in gnomAD(v3.1.2) (8 heterozygotes, 0 homozygotes; allele frequency: 1.972e-5), suggesting it is not a common benign variant in the populations represented in that database. The c.5266dup (p.Gln1756ProfsTer74) variant is reported in ClinVar as Pathogenic by an expert panel (VarID: 17677), and is one of the most frequently reported pathogenic variants in the BRCA1 gene. This variant has been reported in multiple affected individuals in the literature [PMID: 21119707, 24797986, 31706072, others]. Based on the available evidence c.5266dup(p.Gln1756ProfsTer74) variant is reported as Pathogenic.